The following is an entry in ClinVar:

ClinVar aggregate classification (germline): Pathogenic (1 of 4 stars; one submission).

Conditions:
Coffin-Siris syndrome 1 (CSS1). Also called: ARID1B-Related Coffin-Siris Syndrome; Mental retardation, autosomal dominant 12. Identifiers: Orphanet 1465, MedGen C3281201, MONDO:0007617, OMIM 135900. Disease mechanism: gain of function.

Submission:

Daryl Scott Lab, Baylor College of Medicine
Classification: Pathogenic for Coffin-Siris syndrome 1. Last evaluated: 2025-08-25. Review status: criteria provided, single submitter. Criteria: ACMG Guidelines, 2015. Collection method: clinical testing. Allele origin: de novo. Affected: yes. Observed: 1 heterozygote.
Comment: PVS1, PS2, PM2

NM_001374828.1(ARID1B):c.5075_5084delinsAGA (p.Pro1692fs)

Gene: ARID1B (AT-rich interaction domain 1B; plus strand). Cytogenetic location: 6q25.3.
Variant type: Indel.
Coding change: c.5075_5084delinsAGA on transcript NM_001374828.1 (MANE Select); coding-DNA positions 5075 to 5084, CAAGCAAGTC replaced by AGA.
Protein change: p.Pro1692fs; shifts the reading frame from proline 1692.
Molecular consequence: frameshift variant.
Genome position (GRCh38, 1-based): chr6:157,201,300-157,201,309, CAAGCAAGTC replaced by AGA. VCF-style: chr6-157201300-CAAGCAAGTC-AGA. GRCh37 (hg19) VCF-style: chr6-157522434-CAAGCAAGTC-AGA.
Other names: c.2576_2585delinsAGA, p.Pro859fs (NM_001363725.2); c.4955_4964delinsAGA, p.Pro1652fs (NM_001371656.1, NM_001374820.1); c.5204_5213delinsAGA, p.Pro1735fs (NM_001438482.1); c.5117_5126delinsAGA, p.Pro1706fs (NM_001438483.1); c.4985_4994delinsAGA, p.Pro1662fs (NM_001438485.1); c.4958_4967delinsAGA, p.Pro1653fs (NM_001438486.1); c.4895_4904delinsAGA, p.Pro1632fs (NM_001438487.1); c.2417_2426delinsAGA, p.Pro806fs (NM_001438488.1); and 1 more; short protein forms P1632fs, P1639fs, P1652fs, P1653fs, P1662fs, P1692fs, P1706fs, P1735fs.
Identifiers: ClinVar variation 4279697 (VCV004279697.1).